The following is an entry in ClinVar:

ClinVar aggregate classification (germline): Uncertain significance. Review status: criteria provided, multiple submitters, no conflicts (2 of 4 stars). 2 submissions from 2 submitters: Uncertain significance (2). Last evaluated 2025-11-17.

Conditions:
Inborn genetic diseases. Identifiers: MedGen C0950123, MeSH D030342.

Allele frequency attached by ClinVar (database versions not stated): gnomAD exomes below 0.00001; gnomAD 0.00001; TOPMed 0.00001; ExAC 0.00002; ESP Exome Variant Server 0.00008.
gnomAD v4.1: 3 of 1,613,446 alleles (0.00019%); highest among the groups gnomAD compares: African/African-American, 0.0013%; no homozygotes.

Submissions (2):

Labcorp Genetics (formerly Invitae), Labcorp
Classification: Uncertain significance. Last evaluated: 2025-11-17. Review status: criteria provided, single submitter. Criteria: Invitae Variant Classification Sherloc (09022015). Collection method: clinical testing. Allele origin: germline.
Comment: This sequence change replaces lysine, which is basic and polar, with asparagine, which is neutral and polar, at codon 817 of the NFKB1 protein (p.Lys817Asn). This variant is present in population databases (rs139661580, gnomAD 0.0009%). This variant has not been reported in the literature in individuals affected with NFKB1-related conditions. ClinVar contains an entry for this variant (Variation ID: 2195837). Invitae Evidence Modeling of protein sequence and biophysical properties (such as structural, functional, and spatial information, amino acid conservation, physicochemical variation, residue mobility, and thermodynamic stability) has been performed for this missense variant. However, the output from this modeling did not meet the statistical confidence thresholds required to predict the impact of this variant on NFKB1 protein function. In summary, the available evidence is currently insufficient to determine the role of this variant in disease. Therefore, it has been classified as a Variant of Uncertain Significance.

Ambry Genetics
Classification: Uncertain significance for Inborn genetic diseases. Last evaluated: 2025-02-13. Review status: criteria provided, single submitter. Criteria: Ambry Variant Classification Scheme 2023. Collection method: clinical testing. Allele origin: germline.

NM_003998.4(NFKB1):c.2451G>C (p.Lys817Asn)

Gene: NFKB1 (nuclear factor kappa B subunit 1; plus strand). Cytogenetic location: 4q24.
Variant type: single nucleotide variant.
Coding change: c.2451G>C on transcript NM_003998.4 (MANE Select); coding-DNA position 2451, G replaced by C.
Protein change: p.Lys817Asn; replaces lysine 817 with asparagine.
Molecular consequence: missense variant.
Genome position (GRCh38, 1-based): chr4:102,612,465, G>C. VCF-style: chr4-102612465-G-C. GRCh37 (hg19) VCF-style: chr4-103533622-G-C.
Other names: c.2451G>C (NM_003998.3); c.2448G>C, p.Lys816Asn (NM_001165412.2, NM_001319226.2, NM_001382627.1); c.2451G>C, p.Lys817Asn (NM_001382625.1, NM_001382626.1); c.2409G>C, p.Lys803Asn (NM_001382628.1); short protein forms K816N, K803N, K817N.
Identifiers: ClinVar variation 2195837 (VCV002195837.5), dbSNP rs139661580, ClinGen allele CA3026438.